The following is an entry in ClinVar:

ClinVar aggregate classification (germline): Pathogenic (1 of 4 stars; one submission).

Submission:

Labcorp Genetics (formerly Invitae), Labcorp
Classification: Pathogenic. Last evaluated: 2024-01-06. Review status: criteria provided, single submitter. Criteria: Invitae Variant Classification Sherloc (09022015). Collection method: clinical testing. Allele origin: germline.
Comment: This sequence change creates a premature translational stop signal (p.Thr12Asnfs*2) in the DNAJC12 gene. It is expected to result in an absent or disrupted protein product. Loss-of-function variants in DNAJC12 are known to be pathogenic (PMID: 28132689, 28892570). This variant is not present in population databases (gnomAD no frequency). This variant has not been reported in the literature in individuals affected with DNAJC12-related conditions. For these reasons, this variant has been classified as Pathogenic.

Literature cited by the submitters: PubMed 28132689; PubMed 28892570.

NM_021800.3(DNAJC12):c.34dup (p.Thr12fs)

Gene: DNAJC12 (DnaJ heat shock protein family (Hsp40) member C12; minus strand). Cytogenetic location: 10q21.3.
Variant type: Duplication.
Coding change: c.34dup on transcript NM_021800.3 (MANE Select); coding-DNA position 34, one base duplicated (A; older notation c.34dupA).
Protein change: p.Thr12fs; shifts the reading frame from threonine 12.
Molecular consequence: frameshift variant.
Genome position (GRCh38, 1-based): chr10:67,837,978, T duplicated on the plus strand (A on the coding strand, the reverse complement: DNAJC12 is on the minus strand). VCF-style (leftmost placement, unchanged base first): chr10-67837977-G-GT. GRCh37 (hg19) VCF-style: chr10-69597735-G-GT.
Other names: c.34dup, p.Thr12fs (NM_201262.2); short protein forms T12fs.
Identifiers: ClinVar variation 2707876 (VCV002707876.3), dbSNP rs2492831158, ClinGen allele CA2697558400.